The following is an entry in ClinVar:

ClinVar aggregate classification (germline): Uncertain significance (1 of 4 stars; one submission).

gnomAD v4.1: 6 of 1,613,960 alleles (0.00037%); highest among the groups gnomAD compares: African/African-American, 0.0013%; no homozygotes.

Submissions (2):

Labcorp Genetics (formerly Invitae), Labcorp
Classification: Uncertain significance. Last evaluated: 2024-11-10. Review status: criteria provided, single submitter. Criteria: Invitae Variant Classification Sherloc (09022015). Collection method: clinical testing. Allele origin: germline.
Comment: This sequence change replaces arginine, which is basic and polar, with glutamine, which is neutral and polar, at codon 970 of the RNF31 protein (p.Arg970Gln). This variant is present in population databases (rs372026152, gnomAD 0.003%). This variant has not been reported in the literature in individuals affected with RNF31-related conditions. An algorithm developed to predict the effect of missense changes on protein structure and function (PolyPhen-2) suggests that this variant is likely to be tolerated. In summary, the available evidence is currently insufficient to determine the role of this variant in disease. Therefore, it has been classified as a Variant of Uncertain Significance.

Dr. Peter K. Rogan Lab, Western University
No classification provided (evidence only). Condition: Uterine corpus endometrial carcinoma. Review status: no classification provided. Collection method: in vitro. Allele origin: not applicable. Functional consequence: skipped exon. Not counted in ClinVar's aggregate classification.

NM_017999.5(RNF31):c.2909G>A (p.Arg970Gln)

Gene: RNF31 (ring finger protein 31; plus strand). Cytogenetic location: 14q12.
Variant type: single nucleotide variant.
Coding change: c.2909G>A on transcript NM_017999.5 (MANE Select); coding-DNA position 2909, G replaced by A.
Protein change: p.Arg970Gln; replaces arginine 970 with glutamine.
Molecular consequence: missense variant.
Genome position (GRCh38, 1-based): chr14:24,159,873, G>A. VCF-style: chr14-24159873-G-A. GRCh37 (hg19) VCF-style: chr14-24629082-G-A.
Other names: c.2456G>A, p.Arg819Gln (NM_001310332.2); short protein forms R970Q, R819Q.
Identifiers: ClinVar variation 3698993 (VCV003698993.3).